The following is an entry in ClinVar:

NM_001386795.1(DTNA):c.358G>C (p.Asp120His)

Gene: DTNA (dystrobrevin alpha; plus strand). Cytogenetic location: 18q12.1.
Variant type: single nucleotide variant.
Coding change: c.358G>C on transcript NM_001386795.1 (MANE Select); coding-DNA position 358, G replaced by C.
Protein change: p.Asp120His; replaces aspartic acid 120 with histidine.
Molecular consequence: missense variant.
Genome position (GRCh38, 1-based): chr18:34,794,246, G>C. VCF-style: chr18-34794246-G-C. GRCh37 (hg19) VCF-style: chr18-32374210-G-C.
Other names: c.358G>C, p.Asp120His (NM_001386762.1, NM_001386763.1, NM_001386764.1 and 35 more transcripts); short protein forms D120H.
Identifiers: ClinVar variation 1677843 (VCV001677843.3), dbSNP rs1401291574, ClinGen allele CA402275199.

ClinVar aggregate classification (germline): Uncertain significance. Review status: criteria provided, multiple submitters, no conflicts (2 of 4 stars). 2 submissions from 2 submitters: Uncertain significance (2). Last evaluated 2024-03-26.

Conditions:
Left ventricular noncompaction 1 (LVNC1). Also called: LEFT VENTRICULAR NONCOMPACTION 1 WITH OR WITHOUT CONGENITAL HEART DEFECTS. Identifiers: Orphanet 54260, MedGen C1858725, MONDO:0011403, OMIM 604169.

Allele frequency attached by ClinVar (database versions not stated): gnomAD exomes below 0.00001; TOPMed below 0.00001; gnomAD 0.00001.
gnomAD v4.1: 2 of 1,613,774 alleles (0.00012%); highest among the groups gnomAD compares: Non-Finnish European, 0.00017%; no homozygotes.

Submissions (2):

Labcorp Genetics (formerly Invitae), Labcorp
Classification: Uncertain significance for Left ventricular noncompaction 1. Last evaluated: 2024-03-26. Review status: criteria provided, single submitter. Criteria: Invitae Variant Classification Sherloc (09022015). Collection method: clinical testing. Allele origin: germline.
Comment: This sequence change replaces aspartic acid, which is acidic and polar, with histidine, which is basic and polar, at codon 120 of the DTNA protein (p.Asp120His). This variant is present in population databases (no rsID available, gnomAD 0.0009%). This variant has not been reported in the literature in individuals affected with DTNA-related conditions. ClinVar contains an entry for this variant (Variation ID: 1677843). Advanced modeling of protein sequence and biophysical properties (such as structural, functional, and spatial information, amino acid conservation, physicochemical variation, residue mobility, and thermodynamic stability) performed at Invitae indicates that this missense variant is not expected to disrupt DTNA protein function with a negative predictive value of 80%. In summary, the available evidence is currently insufficient to determine the role of this variant in disease. Therefore, it has been classified as a Variant of Uncertain Significance.

AiLife Diagnostics
Classification: Uncertain significance. Last evaluated: 2022-01-25. Review status: criteria provided, single submitter. Criteria: ACMG Guidelines, 2015. Collection method: clinical testing. Allele origin: germline. Affected: yes. Observed: 1 variant allele.